The following is an entry in ClinVar:

ClinVar aggregate classification (germline): Uncertain significance (1 of 4 stars; one submission).

Allele frequency attached by ClinVar (database versions not stated): gnomAD exomes below 0.00001 and 0.00002; gnomAD 0.00001; ExAC 0.00002; TOPMed 0.00002.
gnomAD v4.1: 5 of 1,612,790 alleles (0.00031%); highest among the groups gnomAD compares: Admixed American, 0.0083%; no homozygotes.

Submission:

Labcorp Genetics (formerly Invitae), Labcorp
Classification: Uncertain significance. Last evaluated: 2021-08-24. Review status: criteria provided, single submitter. Criteria: Invitae Variant Classification Sherloc (09022015). Collection method: clinical testing. Allele origin: germline.
Comment: This sequence change replaces histidine with tyrosine at codon 306 of the OSTM1 protein (p.His306Tyr). The histidine residue is highly conserved and there is a moderate physicochemical difference between histidine and tyrosine. This variant is present in population databases (rs780259047, ExAC 0.02%). This variant has not been reported in the literature in individuals affected with OSTM1-related conditions. Algorithms developed to predict the effect of missense changes on protein structure and function are either unavailable or do not agree on the potential impact of this missense change (SIFT: "Tolerated"; PolyPhen-2: "Possibly Damaging"; Align-GVGD: "Class C0"). In summary, the available evidence is currently insufficient to determine the role of this variant in disease. Therefore, it has been classified as a Variant of Uncertain Significance.

NM_014028.4(OSTM1):c.916C>T (p.His306Tyr)

Gene: OSTM1 (osteoclastogenesis associated transmembrane protein 1; minus strand). Cytogenetic location: 6q21.
Variant type: single nucleotide variant.
Coding change: c.916C>T on transcript NM_014028.4 (MANE Select); coding-DNA position 916, C replaced by T.
Protein change: p.His306Tyr; replaces histidine 306 with tyrosine.
Molecular consequence: missense variant.
Genome position (GRCh38, 1-based): chr6:108,049,286, G>A on the plus strand (C>T on the coding strand, the complement: OSTM1 is on the minus strand). VCF-style: chr6-108049286-G-A. GRCh37 (hg19) VCF-style: chr6-108370490-G-A.
Other names: short protein forms H306Y.
Identifiers: ClinVar variation 1487916 (VCV001487916.5), dbSNP rs780259047, ClinGen allele CA3947937.